The following is an entry in ClinVar:

ClinVar aggregate classification (germline): Uncertain significance (1 of 4 stars; one submission).

Conditions:
Ataxia - intellectual disability - oculomotor apraxia - cerebellar cysts syndrome. Also called: Poretti-Boltshauser syndrome. Identifiers: Orphanet 370022, MedGen C4014821, MONDO:0014419, OMIM 615960.

Submission:

Baylor Genetics
Classification: Uncertain significance for Ataxia - intellectual disability - oculomotor apraxia - cerebellar cysts syndrome. Last evaluated: 2020-06-30. Review status: criteria provided, single submitter. Criteria: ACMG Guidelines, 2015. Collection method: clinical testing. Allele origin: de novo. Affected: yes.
Comment: This variant was determined to be of uncertain significance according to ACMG Guidelines, 2015 [PMID:25741868].

NM_005559.4(LAMA1):c.3364-4G>T

Gene: LAMA1 (laminin subunit alpha 1; minus strand). Cytogenetic location: 18p11.31.
Variant type: single nucleotide variant.
Coding change: c.3364-4G>T on transcript NM_005559.4 (MANE Select); 4 bases into the intron before coding-DNA position 3364, G replaced by T.
Molecular consequence: intron variant.
Genome position (GRCh38, 1-based): chr18:7,012,142, C>A on the plus strand (G>T on the coding strand, the complement: LAMA1 is on the minus strand). VCF-style: chr18-7012142-C-A. GRCh37 (hg19) VCF-style: chr18-7012141-C-A.
Identifiers: ClinVar variation 1030931 (VCV001030931.1), dbSNP rs2057863581, ClinGen allele CA645600020.